The following is an entry in ClinVar:

ClinVar aggregate classification (germline): Pathogenic. Review status: criteria provided, multiple submitters, no conflicts (2 of 4 stars). 2 submissions from 2 submitters: Pathogenic (2). Last evaluated 2025-06-19.

Conditions:
Joubert syndrome. Also called: JOUBERT-BOLTSHAUSER SYNDROME; Familial aplasia of the vermis. Identifiers: Orphanet 475, MedGen C5979921, MONDO:0018772.
Joubert syndrome 3 (JBTS3). Also called: AHI1-related Ciliopathy. Identifiers: Orphanet 220493, MedGen C1837713, MONDO:0012078, OMIM 608629.

Allele frequency attached by ClinVar (database versions not stated): gnomAD exomes below 0.00001.
gnomAD v4.1: 1 of 1,611,722 alleles (0.000062%); highest among the groups gnomAD compares: Admixed American, 0.0017%; no homozygotes.

Submissions (2):

Myriad Genetics, Inc.
Classification: Pathogenic for Joubert syndrome 3. Last evaluated: 2025-06-19. Review status: criteria provided, single submitter. Criteria: Myriad Autosomal Dominant, Autosomal Recessive and X-Linked Classification Criteria (2023). Collection method: clinical testing. Allele origin: unknown.
Comment: NM_001134831.1(AHI1):c.2081T>G(L694*) is expected to be pathogenic in the context of Joubert syndrome, AHI1-related. This variant is predicted to lead to an abnormal or absent protein product due to the creation of a premature termination codon in AHI1, a gene where loss-of-function variants are known to be pathogenic. Please note: this variant was assessed in the context of healthy population screening.

Labcorp Genetics (formerly Invitae), Labcorp
Classification: Pathogenic for Joubert syndrome. Last evaluated: 2022-04-17. Review status: criteria provided, single submitter. Criteria: Invitae Variant Classification Sherloc (09022015). Collection method: clinical testing. Allele origin: germline.
Comment: For these reasons, this variant has been classified as Pathogenic. This variant has not been reported in the literature in individuals affected with AHI1-related conditions. This variant is present in population databases (no rsID available, gnomAD 0.003%). This sequence change creates a premature translational stop signal (p.Leu694*) in the AHI1 gene. It is expected to result in an absent or disrupted protein product. Loss-of-function variants in AHI1 are known to be pathogenic (PMID: 15322546, 16453322, 28442542, 29186038).

Literature cited by the submitters: PubMed 15322546 (cited by Labcorp Genetics (formerly Invitae), Labcorp); PubMed 16453322 (cited by Labcorp Genetics (formerly Invitae), Labcorp); PubMed 28442542 (cited by Labcorp Genetics (formerly Invitae), Labcorp); PubMed 29186038 (cited by Labcorp Genetics (formerly Invitae), Labcorp).

NM_001134831.2(AHI1):c.2081T>G (p.Leu694Ter)

Gene: AHI1 (Abelson helper integration site 1; minus strand). Cytogenetic location: 6q23.3.
Variant type: single nucleotide variant.
Coding change: c.2081T>G on transcript NM_001134831.2 (MANE Select); coding-DNA position 2081, T replaced by G.
Protein change: p.Leu694Ter; replaces leucine 694 with a stop codon.
Molecular consequence: nonsense.
Genome position (GRCh38, 1-based): chr6:135,433,212, A>C on the plus strand (T>G on the coding strand, the complement: AHI1 is on the minus strand). VCF-style: chr6-135433212-A-C. GRCh37 (hg19) VCF-style: chr6-135754350-A-C.
Other names: c.2081T>G, p.Leu694Ter (NM_001134830.2, NM_001134832.2, NM_001350503.2 and 2 more transcripts); short protein forms L694*.
Identifiers: ClinVar variation 1927472 (VCV001927472.6), dbSNP rs1179403052, ClinGen allele CA365743747.
Genomic context (GRCh38, chr6:135,433,212, plus strand): 5'-ACTACTAGCTCTCTTACAGCTGGATGGAATTTAGCCGTGTAAACAAAAGAAGGATGAGGT[A>C]AAACTCTGAAAGTATTTGTATTGTTTATTTCATTTTTCCATATCCTGGAAAAGGATAAGA-3'